The following is an entry in ClinVar:

NM_001136191.3(KANK2):c.1520+3G>A

Gene: KANK2 (KN motif and ankyrin repeat domains 2; minus strand). Cytogenetic location: 19p13.2.
Variant type: single nucleotide variant.
Coding change: c.1520+3G>A on transcript NM_001136191.3 (MANE Select); 3 bases into the intron after coding-DNA position 1520, G replaced by A.
Molecular consequence: intron variant.
Genome position (GRCh38, 1-based): chr19:11,178,342, C>T on the plus strand (G>A on the coding strand, the complement: KANK2 is on the minus strand). VCF-style: chr19-11178342-C-T. GRCh37 (hg19) VCF-style: chr19-11289018-C-T.
Other names: c.1544+3G>A (NM_001379552.1, NM_001379553.1, NM_001379554.1 and 5 more transcripts); c.1520+3G>A (NM_001379562.1, NM_001379563.1, NM_001329451.2 and 7 more transcripts).
Identifiers: ClinVar variation 2149819 (VCV002149819.4), dbSNP rs768693511, ClinGen allele CA9205645.

ClinVar aggregate classification (germline): Uncertain significance (1 of 4 stars; one submission).

Allele frequency attached by ClinVar (database versions not stated): TOPMed below 0.00001; gnomAD exomes 0.00001; ExAC 0.00011.

Submission:

Labcorp Genetics (formerly Invitae), Labcorp
Classification: Uncertain significance. Last evaluated: 2024-03-04. Review status: criteria provided, single submitter. Criteria: Invitae Variant Classification Sherloc (09022015). Collection method: clinical testing. Allele origin: germline.
Comment: This sequence change falls in intron 6 of the KANK2 gene. It does not directly change the encoded amino acid sequence of the KANK2 protein. It affects a nucleotide within the consensus splice site. This variant is present in population databases (rs768693511, gnomAD 0.01%). This variant has not been reported in the literature in individuals affected with KANK2-related conditions. ClinVar contains an entry for this variant (Variation ID: 2149819). Variants that disrupt the consensus splice site are a relatively common cause of aberrant splicing (PMID: 17576681, 9536098). Algorithms developed to predict the effect of sequence changes on RNA splicing suggest that this variant is not likely to affect RNA splicing. In summary, the available evidence is currently insufficient to determine the role of this variant in disease. Therefore, it has been classified as a Variant of Uncertain Significance.

Literature cited by the submitters: PubMed 17576681; PubMed 9536098.